The following is an entry in ClinVar:

ClinVar aggregate classification (germline): Uncertain significance (1 of 4 stars; one submission).

Conditions:
SLC4A1-related disorder. Also called: SLC4A1-related disorders; SLC4A1-related condition.

Submission:

PreventionGenetics, part of Exact Sciences
Classification: Uncertain significance for SLC4A1-related condition. Last evaluated: 2023-03-24. Review status: criteria provided, single submitter. Criteria: ACMG Guidelines, 2015. Collection method: clinical testing. Allele origin: germline.
Comment: The SLC4A1 c.1187A>T variant is predicted to result in the amino acid substitution p.Asp396Val. To our knowledge, this variant has not been reported in the literature or in a large population database, indicating this variant is rare. At this time, the clinical significance of this variant is uncertain due to the absence of conclusive functional and genetic evidence.

NM_000342.4(SLC4A1):c.1187A>T (p.Asp396Val)

Gene: SLC4A1 (solute carrier family 4 member 1 (Diego blood group); minus strand). Cytogenetic location: 17q21.31.
Variant type: single nucleotide variant.
Coding change: c.1187A>T on transcript NM_000342.4 (MANE Select); coding-DNA position 1187, A replaced by T.
Protein change: p.Asp396Val; replaces aspartic acid 396 with valine.
Molecular consequence: missense variant.
Genome position (GRCh38, 1-based): chr17:44,258,081, T>A on the plus strand (A>T on the coding strand, the complement: SLC4A1 is on the minus strand). VCF-style: chr17-44258081-T-A. GRCh37 (hg19) VCF-style: chr17-42335449-T-A.
Other names: short protein forms D396V.
Identifiers: ClinVar variation 2633538 (VCV002633538.1), dbSNP rs2509966625, ClinGen allele CA399788235.